The following is an entry in ClinVar:

NC_000007.14:g.62533792_63268846dup

Variant type: Duplication.
Identifiers: ClinVar variation 157057 (VCV000157057.3).

ClinVar aggregate classification (germline): not provided (0 of 4 stars; one submission).

Conditions:
Preeclampsia. Identifiers: Orphanet 275555, MedGen C0032914, MONDO:0005081, HP:0100602.

Submission:

Institute of Molecular and Cell Biology, University of Tartu
No classification provided. Condition: Preeclampsia. Review status: no classification provided. Collection method: case-control. Allele origin: unknown. Affected: yes. Study: Kasak2014.
Comment: The study aimed to determine the contribution of copy number variants in the genetic etiology of normal and complicated pregnancies. The samples represented (i) maternal blood DNA drawn from healthy pregnant women during 1st or 2nd trimester and (ii) maternal and paternal blood DNA drawn at term pregnancy cases representing normal and complicated gestations (severe preeclampsia, PE; gestational diabetes, GD; small-for-gestational age newborn, SGA; large-for-gestational age newborn, LGA). We performed CNV calling based on genome-wide genotyping dataset (Illumina HumanOmniExpress-24-v1 BeadChip) by applying three algorithms, QuantiSNP, GADA (Genome Alteration Detection Algorithm) and CNstream in parallel. The acquired CNV calls were merged with HD-CNV (Hotspot Detector for Copy Number Variants) program and only the CNVs predicted by at least two programs, were considered in subsequent analysis.

Literature cited by the submitters: PubMed 25666259.